The following is an entry in ClinVar:

NM_032043.3(BRIP1):c.902T>G (p.Leu301Trp)

Gene: BRIP1 (BRCA1 interacting DNA helicase 1; minus strand). Cytogenetic location: 17q23.2.
Variant type: single nucleotide variant.
Coding change: c.902T>G on transcript NM_032043.3 (MANE Select); coding-DNA position 902, T replaced by G.
Protein change: p.Leu301Trp; replaces leucine 301 with tryptophan.
Molecular consequence: missense variant.
Genome position (GRCh38, 1-based): chr17:61,808,483, A>C on the plus strand (T>G on the coding strand, the complement: BRIP1 is on the minus strand). VCF-style: chr17-61808483-A-C. GRCh37 (hg19) VCF-style: chr17-59885844-A-C.
Other names: short protein forms L301W.
Identifiers: ClinVar variation 3755741 (VCV003755741.2).

ClinVar aggregate classification (germline): Uncertain significance (1 of 4 stars; one submission).

Conditions:
Fanconi anemia complementation group J. Also called: BRIP1-Related Fanconi Anemia. Identifiers: Orphanet 84, MedGen C1836860, MONDO:0012187, OMIM 609054.
Familial cancer of breast. Also called: BREAST CANCER, FAMILIAL; Hereditary breast cancer; hereditary breast carcinoma. Identifiers: Orphanet 227535, MedGen C0346153, MONDO:0016419, OMIM 114480. Disease mechanism: loss of function.

gnomAD v4.1: 2 of 1,613,548 alleles (0.00012%); highest among the groups gnomAD compares: South Asian, 0.0022%; no homozygotes.

Submission:

Labcorp Genetics (formerly Invitae), Labcorp
Classification: Uncertain significance for Familial cancer of breast; Fanconi anemia complementation group J. Last evaluated: 2025-11-09. Review status: criteria provided, single submitter. Criteria: Invitae Variant Classification Sherloc (09022015). Collection method: clinical testing. Allele origin: germline.
Comment: This sequence change replaces leucine, which is neutral and non-polar, with tryptophan, which is neutral and slightly polar, at codon 301 of the BRIP1 protein (p.Leu301Trp). This variant is present in population databases (rs750376292, gnomAD 0.003%). This variant has not been reported in the literature in individuals affected with BRIP1-related conditions. ClinVar contains an entry for this variant (Variation ID: 3755741). Invitae Evidence Modeling of protein sequence and biophysical properties (such as structural, functional, and spatial information, amino acid conservation, physicochemical variation, residue mobility, and thermodynamic stability) has been performed for this missense variant. However, the output from this modeling did not meet the statistical confidence thresholds required to predict the impact of this variant on BRIP1 protein function. In summary, the available evidence is currently insufficient to determine the role of this variant in disease. Therefore, it has been classified as a Variant of Uncertain Significance.